The following is an entry in ClinVar:

NM_152641.4(ARID2):c.2725A>G (p.Thr909Ala)

Gene: ARID2 (AT-rich interaction domain 2; plus strand). Cytogenetic location: 12q12.
Variant type: single nucleotide variant.
Coding change: c.2725A>G on transcript NM_152641.4 (MANE Select); coding-DNA position 2725, A replaced by G.
Protein change: p.Thr909Ala; replaces threonine 909 with alanine.
Molecular consequence: missense variant.
Genome position (GRCh38, 1-based): chr12:45,850,848, A>G. VCF-style: chr12-45850848-A-G. GRCh37 (hg19) VCF-style: chr12-46244631-A-G.
Other names: c.2725A>G, p.Thr909Ala (NM_001347839.2); short protein forms T909A.
Identifiers: ClinVar variation 3366797 (VCV003366797.1).

ClinVar aggregate classification (germline): Uncertain significance (1 of 4 stars; one submission).

gnomAD v4.1: 10 of 1,614,154 alleles (0.00062%); highest among the groups gnomAD compares: Admixed American, 0.0017%; no homozygotes.

Submission:

Women's Health and Genetics/Laboratory Corporation of America, LabCorp
Classification: Uncertain significance. Last evaluated: 2024-08-30. Review status: criteria provided, single submitter. Criteria: LabCorp Variant Classification Summary - May 2015. Collection method: clinical testing. Allele origin: germline.
Comment: Variant summary: ARID2 c.2725A>G (p.Thr909Ala) results in a non-conservative amino acid change in the encoded protein sequence. Four of five in-silico tools predict a benign effect of the variant on protein function. The variant allele was found at a frequency of 8e-06 in 251318 control chromosomes. The available data on variant occurrences in the general population are insufficient to allow any conclusion about variant significance. To our knowledge, no occurrence of c.2725A>G in individuals affected with Coffin-Siris Syndrome 6 and no experimental evidence demonstrating its impact on protein function have been reported. No submitters have cited clinical-significance assessments for this variant to ClinVar. Based on the evidence outlined above, the variant was classified as uncertain significance.